The following is an entry in ClinVar:

ClinVar aggregate classification (germline): Uncertain significance (1 of 4 stars; one submission).

Conditions:
Multiple gastrointestinal atresias. Also called: Multiple intestinal atresia; FAMILIAL INTESTINAL POLYATRESIA SYNDROME. Identifiers: Orphanet 2300, MedGen C0220744, MONDO:0009465.

Allele frequency attached by ClinVar (database versions not stated): gnomAD exomes 0.00001.
gnomAD v4.1: 3 of 1,614,080 alleles (0.00019%); highest among the groups gnomAD compares: Middle Eastern, 0.049%; no homozygotes.

Submission:

Labcorp Genetics (formerly Invitae), Labcorp
Classification: Uncertain significance for Multiple gastrointestinal atresias. Last evaluated: 2024-10-21. Review status: criteria provided, single submitter. Criteria: Invitae Variant Classification Sherloc (09022015). Collection method: clinical testing. Allele origin: germline.
Comment: This sequence change replaces proline, which is neutral and non-polar, with serine, which is neutral and polar, at codon 231 of the TTC7A protein (p.Pro231Ser). This variant is not present in population databases (gnomAD no frequency). This variant has not been reported in the literature in individuals affected with TTC7A-related conditions. ClinVar contains an entry for this variant (Variation ID: 582990). Invitae Evidence Modeling of protein sequence and biophysical properties (such as structural, functional, and spatial information, amino acid conservation, physicochemical variation, residue mobility, and thermodynamic stability) indicates that this missense variant is not expected to disrupt TTC7A protein function with a negative predictive value of 80%. In summary, the available evidence is currently insufficient to determine the role of this variant in disease. Therefore, it has been classified as a Variant of Uncertain Significance.

NM_020458.4(TTC7A):c.691C>T (p.Pro231Ser)

Gene: TTC7A (tetratricopeptide repeat domain 7A; plus strand). Cytogenetic location: 2p21.
Variant type: single nucleotide variant.
Coding change: c.691C>T on transcript NM_020458.4 (MANE Select); coding-DNA position 691, C replaced by T.
Protein change: p.Pro231Ser; replaces proline 231 with serine.
Molecular consequence: missense variant. On other transcripts: 5 prime UTR variant (1).
Genome position (GRCh38, 1-based): chr2:46,978,834, C>T. VCF-style: chr2-46978834-C-T. GRCh37 (hg19) VCF-style: chr2-47205973-C-T.
Other names: c.691C>T, p.Pro231Ser (LRG_1323t1, NM_001288951.2); c.589C>T, p.Pro197Ser (NM_001288953.2); c.-214C>T (NM_001288955.2); short protein forms P231S, P197S.
Identifiers: ClinVar variation 582990 (VCV000582990.6), dbSNP rs1006086423, ClinGen allele CA46631869.
Genomic context (GRCh38, chr2:46,978,834, plus strand): 5'-CTCTGTTTCCCTTCCCAGACCACAAATAACAGCACGTCGAGGCATCTGAAAGGCTGTCAC[C>T]CGCTTGACTATGAGCTCACCTACTTCCTGGAAGCTGCCCTCCAGAGCGCCTATGTGAAAA-3'
Protein context (NP_065191.2, residues 221-241): STSRHLKGCH[Pro231Ser]LDYELTYFLE